The following is an entry in ClinVar:

NM_003047.5(SLC9A1):c.2393C>G (p.Pro798Arg)

Gene: SLC9A1 (solute carrier family 9 member A1; minus strand). Cytogenetic location: 1p36.11.
Variant type: single nucleotide variant.
Coding change: c.2393C>G on transcript NM_003047.5 (MANE Select); coding-DNA position 2393, C replaced by G.
Protein change: p.Pro798Arg; replaces proline 798 with arginine.
Molecular consequence: missense variant. On other transcripts: non-coding transcript variant (1).
Genome position (GRCh38, 1-based): chr1:27,100,362, G>C on the plus strand (C>G on the coding strand, the complement: SLC9A1 is on the minus strand). VCF-style: chr1-27100362-G-C. GRCh37 (hg19) VCF-style: chr1-27426853-G-C.
Other names: c.2393C>G (NM_003047.4); short protein forms P798R.
Identifiers: ClinVar variation 1917658 (VCV001917658.6), dbSNP rs1239594053, ClinGen allele CA339176342.

ClinVar aggregate classification (germline): Uncertain significance. Review status: criteria provided, single submitter (1 of 4 stars). 2 submissions from 2 submitters: Uncertain significance (1). 1 of the submissions does not count toward it. Last evaluated 2023-07-10.

Conditions:
SLC9A1-related disorder. Also called: SLC9A1-related condition.

Allele frequency attached by ClinVar (database versions not stated): gnomAD 0.00002; TOPMed 0.00002.
gnomAD v4.1: 11 of 1,567,712 alleles (0.0007%); highest among the groups gnomAD compares: Non-Finnish European, 0.00095%; no homozygotes.

Submissions (2):

Labcorp Genetics (formerly Invitae), Labcorp
Classification: Uncertain significance. Last evaluated: 2023-07-10. Review status: criteria provided, single submitter. Criteria: Invitae Variant Classification Sherloc (09022015). Collection method: clinical testing. Allele origin: germline.
Comment: This variant is not present in population databases (gnomAD no frequency). This sequence change replaces proline, which is neutral and non-polar, with arginine, which is basic and polar, at codon 798 of the SLC9A1 protein (p.Pro798Arg). This variant has not been reported in the literature in individuals affected with SLC9A1-related conditions. ClinVar contains an entry for this variant (Variation ID: 1917658). An algorithm developed to predict the effect of missense changes on protein structure and function (PolyPhen-2) suggests that this variant is likely to be disruptive. In summary, the available evidence is currently insufficient to determine the role of this variant in disease. Therefore, it has been classified as a Variant of Uncertain Significance.

PreventionGenetics, part of Exact Sciences
Classification: Uncertain significance for SLC9A1-related condition. Last evaluated: 2024-09-10. Review status: no assertion criteria provided. Collection method: clinical testing. Allele origin: germline. Not counted in ClinVar's aggregate classification.
Comment: The SLC9A1 c.2393C>G variant is predicted to result in the amino acid substitution p.Pro798Arg. To our knowledge, this variant has not been reported in the literature or in a large population database, indicating this variant is rare. At this time, the clinical significance of this variant is uncertain due to the absence of conclusive functional and genetic evidence.